The following is an entry in ClinVar:

ClinVar aggregate classification (germline): Uncertain significance (1 of 4 stars; one submission).

Conditions:
RASopathy. Also called: Noonan spectrum disorder; rasopathies. Identifiers: Orphanet 536391, MedGen C5555857, MONDO:0021060.

Submission:

Labcorp Genetics (formerly Invitae), Labcorp
Classification: Uncertain significance for RASopathy. Last evaluated: 2023-09-27. Review status: criteria provided, single submitter. Criteria: Invitae Variant Classification Sherloc (09022015). Collection method: clinical testing. Allele origin: unknown.
Comment: This variant is a gross deletion of the genomic region encompassing exon(s) 7-23 of the SOS1 gene, which includes the termination codon. This deletion extends beyond the assayed region for this gene and therefore may encompass additional genes. While this deletion is not anticipated to lead to nonsense mediated decay, it is expected to alter mRNA translation or result in a truncated protein product. This variant has not been reported in the literature in individuals affected with SOS1-related conditions. In summary, the available evidence is currently insufficient to determine the role of this variant in disease. Therefore, it has been classified as a Variant of Uncertain Significance.

NC_000002.11:g.(?_39212965)_(39262661_?)del

Genes: SOS1 (SOS Ras/Rac guanine nucleotide exchange factor 1; minus strand), SOS1-IT1 (SOS1 intronic transcript 1). Cytogenetic location: 2p22.1.
Variant type: Deletion.
Identifiers: ClinVar variation 3247421 (VCV003247421.1).